The following is an entry in ClinVar:

ClinVar aggregate classification (germline): Uncertain significance. Review status: criteria provided, multiple submitters, no conflicts (2 of 4 stars). 3 submissions from 3 submitters: Uncertain significance (3). Last evaluated 2024-09-26.

Conditions:
Inborn genetic diseases. Identifiers: MedGen C0950123, MeSH D030342.

Allele frequency attached by ClinVar (database versions not stated): TOPMed below 0.00001; ExAC 0.00001; gnomAD exomes 0.00001; ESP Exome Variant Server 0.00008.
gnomAD v4.1: 8 of 1,613,158 alleles (0.0005%); highest among the groups gnomAD compares: Non-Finnish European, 0.00068%; no homozygotes.

Submissions (3):

Ambry Genetics
Classification: Uncertain significance for Inborn genetic diseases. Last evaluated: 2024-09-26. Review status: criteria provided, single submitter. Criteria: Ambry Variant Classification Scheme 2023. Collection method: clinical testing. Allele origin: germline.

Blueprint Genetics
Classification: Uncertain significance. Last evaluated: 2024-08-07. Review status: criteria provided, single submitter. Criteria: ACMG Guidelines, 2015. Collection method: clinical testing. Allele origin: germline.

Labcorp Genetics (formerly Invitae), Labcorp
Classification: Uncertain significance. Last evaluated: 2023-12-04. Review status: criteria provided, single submitter. Criteria: Invitae Variant Classification Sherloc (09022015). Collection method: clinical testing. Allele origin: germline.
Comment: This sequence change replaces serine, which is neutral and polar, with threonine, which is neutral and polar, at codon 1007 of the USH2A protein (p.Ser1007Thr). This variant is present in population databases (rs371711993, gnomAD 0.002%). This variant has not been reported in the literature in individuals affected with USH2A-related conditions. ClinVar contains an entry for this variant (Variation ID: 2184594). Advanced modeling of protein sequence and biophysical properties (such as structural, functional, and spatial information, amino acid conservation, physicochemical variation, residue mobility, and thermodynamic stability) performed at Invitae indicates that this missense variant is not expected to disrupt USH2A protein function with a negative predictive value of 95%. In summary, the available evidence is currently insufficient to determine the role of this variant in disease. Therefore, it has been classified as a Variant of Uncertain Significance.

NM_206933.4(USH2A):c.3019T>A (p.Ser1007Thr)

Genes: USH2A (usherin; minus strand), USH2A-AS1 (USH2A antisense RNA 1; plus strand). Cytogenetic location: 1q41.
Variant type: single nucleotide variant.
Coding change: c.3019T>A on transcript NM_206933.4 (MANE Select); coding-DNA position 3019, T replaced by A.
Protein change: p.Ser1007Thr; replaces serine 1007 with threonine.
Molecular consequence: missense variant.
Genome position (GRCh38, 1-based): chr1:216,217,525, A>T on the plus strand (T>A on the coding strand, the complement: USH2A is on the minus strand). VCF-style: chr1-216217525-A-T. GRCh37 (hg19) VCF-style: chr1-216390867-A-T.
Other names: c.3019T>A, p.Ser1007Thr (NM_007123.6); c.3019T>A (NM_206933.2); short protein forms S1007T.
Identifiers: ClinVar variation 2184594 (VCV002184594.4), dbSNP rs371711993, ClinGen allele CA1396102.